The following is an entry in ClinVar:

NM_000276.4(OCRL):c.945A>G (p.Gln315=)

Gene: OCRL (OCRL inositol polyphosphate-5-phosphatase; plus strand). Cytogenetic location: Xq26.1.
Variant type: single nucleotide variant.
Coding change: c.945A>G on transcript NM_000276.4 (MANE Select); coding-DNA position 945, A replaced by G.
Protein change: p.Gln315=; no amino-acid change (glutamine 315 retained).
Molecular consequence: synonymous variant.
Genome position (GRCh38, 1-based): chrX:129,562,389, A>G. VCF-style: chrX-129562389-A-G. GRCh37 (hg19) VCF-style: chrX-128696366-A-G.
Other names: c.948A>G, p.Gln316= (NM_001318784.2); c.945A>G, p.Gln315= (NM_001587.4).
Identifiers: ClinVar variation 2661394 (VCV002661394.25), dbSNP rs1219231384, ClinGen allele CA518471056.

ClinVar aggregate classification (germline): Likely benign. Review status: criteria provided, multiple submitters, no conflicts (2 of 4 stars). 2 submissions from 2 submitters: Likely benign (2). Last evaluated 2025-07-20.

Conditions:
Lowe syndrome (OCRL). Also called: LOWE OCULOCEREBRORENAL SYNDROME; PHOSPHATIDYLINOSITOL 4,5-BISPHOSPHATE 5-PHOSPHATASE DEFICIENCY; Oculocerebrorenal Syndrome. Identifiers: Orphanet 534, MedGen C0028860, MONDO:0010645, OMIM 309000.

Allele frequency attached by ClinVar (database versions not stated): gnomAD 0.00001; gnomAD exomes below 0.00001; TOPMed below 0.00001.
gnomAD v4.1: 2 of 1,204,174 alleles (0.00017%); highest among the groups gnomAD compares: Admixed American, 0.0022%; no homozygotes.

Submissions (2):

Labcorp Genetics (formerly Invitae), Labcorp
Classification: Likely benign for Lowe syndrome. Last evaluated: 2025-07-20. Review status: criteria provided, single submitter. Criteria: Invitae Variant Classification Sherloc (09022015). Collection method: clinical testing. Allele origin: germline.

CeGaT Center for Human Genetics Tuebingen
Classification: Likely benign. Last evaluated: 2022-08-01. Review status: criteria provided, single submitter. Criteria: CeGaT Center For Human Genetics Tuebingen Variant Classification Criteria Version 2. Collection method: clinical testing. Allele origin: germline. Affected: yes. Observed: 1 variant allele.
Comment: OCRL: BP4, BP7